The following is an entry in ClinVar:

NM_004839.4(HOMER2):c.751G>C (p.Glu251Gln)

Gene: HOMER2 (homer scaffold protein 2; minus strand). Cytogenetic location: 15q25.2.
Variant type: single nucleotide variant.
Coding change: c.751G>C on transcript NM_004839.4 (MANE Select); coding-DNA position 751, G replaced by C.
Protein change: p.Glu251Gln; replaces glutamic acid 251 with glutamine.
Molecular consequence: missense variant.
Genome position (GRCh38, 1-based): chr15:82,852,153, C>G on the plus strand (G>C on the coding strand, the complement: HOMER2 is on the minus strand). VCF-style: chr15-82852153-C-G. GRCh37 (hg19) VCF-style: chr15-83520905-C-G.
Other names: c.784G>C, p.Glu262Gln (NM_199330.3); short protein forms E251Q, E262Q.
Identifiers: ClinVar variation 2056824 (VCV002056824.4), dbSNP rs1488901708, ClinGen allele CA393320116.

ClinVar aggregate classification (germline): Uncertain significance (1 of 4 stars; one submission).

Allele frequency attached by ClinVar (database versions not stated): gnomAD exomes below 0.00001.
gnomAD v4.1: 1 of 1,613,360 alleles (0.000062%); highest among the groups gnomAD compares: Non-Finnish European, 0.000085%; no homozygotes.

Submission:

Labcorp Genetics (formerly Invitae), Labcorp
Classification: Uncertain significance. Last evaluated: 2021-12-24. Review status: criteria provided, single submitter. Criteria: Invitae Variant Classification Sherloc (09022015). Collection method: clinical testing. Allele origin: germline.
Comment: In summary, the available evidence is currently insufficient to determine the role of this variant in disease. Therefore, it has been classified as a Variant of Uncertain Significance. Algorithms developed to predict the effect of missense changes on protein structure and function are either unavailable or do not agree on the potential impact of this missense change (SIFT: "Tolerated"; PolyPhen-2: "Possibly Damaging"; Align-GVGD: "Class C0"). This variant has not been reported in the literature in individuals affected with HOMER2-related conditions. This variant is present in population databases (no rsID available, gnomAD 0.0009%). This sequence change replaces glutamic acid, which is acidic and polar, with glutamine, which is neutral and polar, at codon 251 of the HOMER2 protein (p.Glu251Gln).